The following is an entry in ClinVar:

NM_001166108.2(PALLD):c.68A>C (p.Asn23Thr)

Gene: PALLD (palladin, cytoskeletal associated protein; plus strand). Cytogenetic location: 4q32.3.
Variant type: single nucleotide variant.
Coding change: c.68A>C on transcript NM_001166108.2 (MANE Select); coding-DNA position 68, A replaced by C.
Protein change: p.Asn23Thr; replaces asparagine 23 with threonine.
Molecular consequence: missense variant.
Genome position (GRCh38, 1-based): chr4:168,511,572, A>C. VCF-style: chr4-168511572-A-C. GRCh37 (hg19) VCF-style: chr4-169432723-A-C.
Other names: c.68A>C, p.Asn23Thr (NM_016081.4); short protein forms N23T.
Identifiers: ClinVar variation 3304045 (VCV003304045.1).

ClinVar aggregate classification (germline): Uncertain significance (1 of 4 stars; one submission).

Submission:

Ambry Genetics
Classification: Uncertain significance. Last evaluated: 2024-03-24. Review status: criteria provided, single submitter. Criteria: Ambry Variant Classification Scheme 2023. Collection method: clinical testing. Allele origin: germline.
Comment: The p.N23T variant (also known as c.68A>C), located in coding exon 1 of the PALLD gene, results from an A to C substitution at nucleotide position 68. The asparagine at codon 23 is replaced by threonine, an amino acid with similar properties. This amino acid position is conserved. In addition, this alteration is predicted to be tolerated by in silico analysis. Based on the available evidence, the clinical significance of this alteration remains unclear.